The following is an entry in ClinVar:

ClinVar aggregate classification (germline): Uncertain significance. Review status: criteria provided, multiple submitters, no conflicts (2 of 4 stars). 4 submissions from 4 submitters: Uncertain significance (4). Last evaluated 2024-10-17.

Conditions:
Polycystic kidney disease, adult type (PKD1). Also called: Polycystic Kidney Disease 1, Autosomal Dominant; Polycystic kidney disease 1; Polycystic kidney disease 1, severe; Polycystic Kidney, Autosomal Dominant; POLYCYSTIC KIDNEY DISEASE 1 WITH OR WITHOUT POLYCYSTIC LIVER DISEASE; POLYCYSTIC KIDNEY DISEASE, ADULT, TYPE I. Identifiers: MedGen C3149841, MONDO:0008263, OMIM 173900.
PKD1-related disorder. Also called: PKD1-related condition.

Allele frequency attached by ClinVar (database versions not stated): gnomAD exomes below 0.00001; gnomAD 0.00001; TOPMed 0.00001; ExAC 0.00002; ESP Exome Variant Server 0.00012.
gnomAD v4.1: 4 of 1,610,254 alleles (0.00025%); highest among the groups gnomAD compares: South Asian, 0.0022%; no homozygotes.

Submissions (4):

PreventionGenetics, part of Exact Sciences
Classification: Uncertain significance for PKD1-related condition. Last evaluated: 2024-10-17. Review status: criteria provided, single submitter. Criteria: ACMG Guidelines, 2015. Collection method: clinical testing. Allele origin: germline.
Comment: The PKD1 c.9659C>T variant is predicted to result in the amino acid substitution p.Ser3220Leu. To our knowledge, this variant has not been reported in the literature. This variant is reported in 0.0065% of alleles in individuals of South Asian descent in gnomAD. At this time, the clinical significance of this variant is uncertain due to the absence of conclusive functional and genetic evidence.

GeneDx
Classification: Uncertain significance. Last evaluated: 2024-06-11. Review status: criteria provided, single submitter. Criteria: GeneDx Variant Classification Process June 2021. Collection method: clinical testing. Allele origin: germline. Affected: yes.
Comment: In silico analysis supports that this missense variant has a deleterious effect on protein structure/function; Has not been previously published as pathogenic or benign to our knowledge

Fulgent Genetics
Classification: Uncertain significance for Polycystic kidney disease, adult type. Last evaluated: 2024-04-19. Review status: criteria provided, single submitter. Criteria: ACMG Guidelines, 2015. Collection method: clinical testing. Allele origin: germline.

Blueprint Genetics
Classification: Uncertain significance. Last evaluated: 2022-05-04. Review status: criteria provided, single submitter. Criteria: ACMG Guidelines, 2015. Collection method: clinical testing. Allele origin: germline.

NM_001009944.3(PKD1):c.9659C>T (p.Ser3220Leu)

Gene: PKD1 (polycystin 1, transient receptor potential channel interacting; minus strand). Cytogenetic location: 16p13.3.
Variant type: single nucleotide variant.
Coding change: c.9659C>T on transcript NM_001009944.3 (MANE Select); coding-DNA position 9659, C replaced by T.
Protein change: p.Ser3220Leu; replaces serine 3220 with leucine.
Molecular consequence: missense variant.
Genome position (GRCh38, 1-based): chr16:2,100,219, G>A on the plus strand (C>T on the coding strand, the complement: PKD1 is on the minus strand). VCF-style: chr16-2100219-G-A. GRCh37 (hg19) VCF-style: chr16-2150220-G-A.
Other names: c.9659C>T, p.Ser3220Leu (NM_000296.4); short protein forms S3220L.
Identifiers: ClinVar variation 2572944 (VCV002572944.5), dbSNP rs144246138, ClinGen allele CA7829982.